The following is an entry in ClinVar:

NM_006891.4(CRYGD):c.223T>C (p.Ser75Pro)

Genes: CRYGD (crystallin gamma D; minus strand), LOC100507443 (uncharacterized LOC100507443; plus strand). Cytogenetic location: 2q33.3.
Variant type: single nucleotide variant.
Coding change: c.223T>C on transcript NM_006891.4 (MANE Select); coding-DNA position 223, T replaced by C.
Protein change: p.Ser75Pro; replaces serine 75 with proline.
Molecular consequence: missense variant.
Genome position (GRCh38, 1-based): chr2:208,124,141, A>G on the plus strand (T>C on the coding strand, the complement: CRYGD is on the minus strand). VCF-style: chr2-208124141-A-G. GRCh37 (hg19) VCF-style: chr2-208988865-A-G.
Other names: short protein forms S75P.
Identifiers: ClinVar variation 2632968 (VCV002632968.1), dbSNP rs2469110995, ClinGen allele CA350092509.
Genomic context (GRCh38, chr2:208,124,141, plus strand): 5'-GGCCTGGGTCCTGACTTGAGGATGTACTCACGTGGGGGATGAGGCGGCAGGAGCGGACCG[A>G]GTCGCTGAGGCCCATCCACTGCTGGTGGTCGGCATAGTCGCCGCGGCGCAGGAAGTACTG-3'
Protein context (NP_008822.2, residues 65-85): DHQQWMGLSD[Ser75Pro]VRSCRLIPHS

ClinVar aggregate classification (germline): Uncertain significance (1 of 4 stars; one submission).

Conditions:
CRYGD-related disorder. Also called: CRYGD-related condition.

Submission:

PreventionGenetics, part of Exact Sciences
Classification: Uncertain significance for CRYGD-related condition. Last evaluated: 2023-05-22. Review status: criteria provided, single submitter. Criteria: ACMG Guidelines, 2015. Collection method: clinical testing. Allele origin: germline.
Comment: The CRYGD c.223T>C variant is predicted to result in the amino acid substitution p.Ser75Pro. To our knowledge, this variant has not been reported in the literature or in a large population database, indicating this variant is rare. At this time, the clinical significance of this variant is uncertain due to the absence of conclusive functional and genetic evidence.